The following is an entry in ClinVar:

ClinVar aggregate classification (germline): Uncertain significance. Review status: criteria provided, multiple submitters, no conflicts (2 of 4 stars). 2 submissions from 2 submitters: Uncertain significance (2). Last evaluated 2025-05-27.

Conditions:
Cystic fibrosis (CF). Also called: MUCOVISCIDOSIS. Identifiers: Orphanet 586, MedGen C0010674, MONDO:0009061, OMIM 219700. Disease mechanism: loss of function.

Allele frequency attached by ClinVar (database versions not stated): gnomAD exomes below 0.00001; gnomAD 0.00001.
gnomAD v4.1: 6 of 1,613,614 alleles (0.00037%); highest among the groups gnomAD compares: African/African-American, 0.0053%; no homozygotes.

Submissions (2):

Ambry Genetics
Classification: Uncertain significance for Cystic fibrosis. Last evaluated: 2025-05-27. Review status: criteria provided, single submitter. Criteria: Ambry Variant Classification Scheme 2023. Collection method: clinical testing. Allele origin: germline.
Comment: The p.S1255T variant (also known as c.3763T>A), located in coding exon 23 of the CFTR gene, results from a T to A substitution at nucleotide position 3763. The serine at codon 1255 is replaced by threonine, an amino acid with similar properties. This amino acid position is not well conserved in available vertebrate species. In addition, the in silico prediction for this alteration is inconclusive. Based on the available evidence, the clinical significance of this variant remains unclear.

Women's Health and Genetics/Laboratory Corporation of America, LabCorp
Classification: Uncertain significance. Last evaluated: 2022-04-11. Review status: criteria provided, single submitter. Criteria: LabCorp Variant Classification Summary - May 2015. Collection method: clinical testing. Allele origin: germline.
Comment: Variant summary: CFTR c.3763T>A (p.Ser1255Thr) results in a conservative amino acid change located in the ABC transporter-like, ATP-binding domain (IPR003439) of the encoded protein sequence. Four of five in-silico tools predict a benign effect of the variant on protein function. The variant allele was found at a frequency of 4e-06 in 251058 control chromosomes (gnomAD). The available data on variant occurrences in the general population are insufficient to allow any conclusion about variant significance. To our knowledge, no occurrence of c.3763T>A in individuals affected with Cystic Fibrosis and no experimental evidence demonstrating its impact on protein function have been reported. No clinical diagnostic laboratories have submitted clinical-significance assessments for this variant to ClinVar after 2014. Based on the evidence outlined above, the variant was classified as uncertain significance.

NM_000492.4(CFTR):c.3763T>A (p.Ser1255Thr)

Genes: CFTR-AS2 (CFTR antisense RNA 2; minus strand), CFTR (CF transmembrane conductance regulator; plus strand). Cytogenetic location: 7q31.2.
Variant type: single nucleotide variant.
Coding change: c.3763T>A on transcript NM_000492.4 (MANE Select); coding-DNA position 3763, T replaced by A.
Protein change: p.Ser1255Thr; replaces serine 1255 with threonine.
Molecular consequence: missense variant.
Genome position (GRCh38, 1-based): chr7:117,642,483, T>A. VCF-style: chr7-117642483-T-A. GRCh37 (hg19) VCF-style: chr7-117282537-T-A.
Other names: short protein forms S1255T.
Identifiers: ClinVar variation 1683255 (VCV001683255.2), dbSNP rs121909041, ClinGen allele CA368974648.
Genomic context (GRCh38, chr7:117,642,483, plus strand): 5'-ACTTTTACCTTATAGGTGGGCCTCTTGGGAAGAACTGGATCAGGGAAGAGTACTTTGTTA[T>A]CAGCTTTTTTGAGACTACTGAACACTGAAGGAGAAATCCAGATCGATGGTGTGTCTTGGG-3'
Protein context (NP_000483.3, residues 1245-1265): RTGSGKSTLL[Ser1255Thr]AFLRLLNTEG